The following is an entry in ClinVar:

NM_000522.5(HOXA13):c.461G>A (p.Ser154Asn)

Genes: HOXA13 (homeobox A13; minus strand), LOC107126288 (NUP98-HOXA13 recombination region; plus strand). Cytogenetic location: 7p15.2.
Variant type: single nucleotide variant.
Coding change: c.461G>A on transcript NM_000522.5 (MANE Select); coding-DNA position 461, G replaced by A.
Protein change: p.Ser154Asn; replaces serine 154 with asparagine.
Molecular consequence: missense variant.
Genome position (GRCh38, 1-based): chr7:27,199,617, C>T on the plus strand (G>A on the coding strand, the complement: HOXA13 is on the minus strand). VCF-style: chr7-27199617-C-T. GRCh37 (hg19) VCF-style: chr7-27239236-C-T.
Other names: short protein forms S154N.
Identifiers: ClinVar variation 3054028 (VCV003054028.4), dbSNP rs749727647, ClinGen allele CA367073312.

ClinVar aggregate classification (germline): Uncertain significance. Review status: criteria provided, multiple submitters, no conflicts (2 of 4 stars). 3 submissions from 3 submitters: Uncertain significance (2). 1 of the submissions does not count toward it. Last evaluated 2025-11-06.

Conditions:
HOXA13-related disorder. Also called: HOXA13-related condition.
Inborn genetic diseases. Identifiers: MedGen C0950123, MeSH D030342.

Submissions (3):

Ambry Genetics
Classification: Uncertain significance for Inborn genetic diseases. Last evaluated: 2025-11-06. Review status: criteria provided, single submitter. Criteria: Ambry Variant Classification Scheme 2023. Collection method: clinical testing. Allele origin: germline.

Labcorp Genetics (formerly Invitae), Labcorp
Classification: Uncertain significance. Last evaluated: 2025-04-14. Review status: criteria provided, single submitter. Criteria: Invitae Variant Classification Sherloc (09022015). Collection method: clinical testing. Allele origin: germline.
Comment: This sequence change replaces serine, which is neutral and polar, with asparagine, which is neutral and polar, at codon 154 of the HOXA13 protein (p.Ser154Asn). This variant is present in population databases (no rsID available, gnomAD 0.006%). This variant has not been reported in the literature in individuals affected with HOXA13-related conditions. ClinVar contains an entry for this variant (Variation ID: 3054028). Invitae Evidence Modeling of protein sequence and biophysical properties (such as structural, functional, and spatial information, amino acid conservation, physicochemical variation, residue mobility, and thermodynamic stability) indicates that this missense variant is not expected to disrupt HOXA13 protein function with a negative predictive value of 80%. In summary, the available evidence is currently insufficient to determine the role of this variant in disease. Therefore, it has been classified as a Variant of Uncertain Significance.

PreventionGenetics, part of Exact Sciences
Classification: Uncertain significance for HOXA13-related condition. Last evaluated: 2023-11-27. Review status: no assertion criteria provided. Collection method: clinical testing. Allele origin: germline. Not counted in ClinVar's aggregate classification.
Comment: The HOXA13 c.461G>A variant is predicted to result in the amino acid substitution p.Ser154Asn. To our knowledge, this variant has not been reported in the literature. This variant is reported in 0.0058% of alleles in individuals of European (Non-Finnish) descent in gnomAD. At this time, the clinical significance of this variant is uncertain due to the absence of conclusive functional and genetic evidence.